The following is an entry in ClinVar:

NM_000117.3(EMD):c.682C>T (p.Gln228Ter)

Gene: EMD (emerin; plus strand). Cytogenetic location: Xq28.
Variant type: single nucleotide variant.
Coding change: c.682C>T on transcript NM_000117.3 (MANE Select); coding-DNA position 682, C replaced by T.
Protein change: p.Gln228Ter; replaces glutamine 228 with a stop codon.
Molecular consequence: nonsense.
Genome position (GRCh38, 1-based): chrX:154,381,114, C>T. VCF-style: chrX-154381114-C-T. GRCh37 (hg19) VCF-style: chrX-153609474-C-T.
Other names: short protein forms Q228*.
Identifiers: ClinVar variation 2684188 (VCV002684188.3), dbSNP rs2522790717, ClinGen allele CA415259229.

ClinVar aggregate classification (germline): Pathogenic/Likely pathogenic. Review status: criteria provided, multiple submitters, no conflicts (2 of 4 stars). 2 submissions from 2 submitters: Pathogenic (1); Likely pathogenic (1). Last evaluated 2025-08-13.

Conditions:
X-linked Emery-Dreifuss muscular dystrophy. Also called: Muscular dystrophy, tardive Emery-Dreifuss type, with contractures. Identifiers: Orphanet 261, Orphanet 98863, MedGen C0751337, MONDO:0010680.

Submissions (2):

Labcorp Genetics (formerly Invitae), Labcorp
Classification: Pathogenic for X-linked Emery-Dreifuss muscular dystrophy. Last evaluated: 2025-08-13. Review status: criteria provided, single submitter. Criteria: Invitae Variant Classification Sherloc (09022015). Collection method: clinical testing. Allele origin: germline.
Comment: This sequence change creates a premature translational stop signal (p.Gln228*) in the EMD gene. While this is not anticipated to result in nonsense mediated decay, it is expected to disrupt the last 27 amino acid(s) of the EMD protein. This variant is not present in population databases (gnomAD no frequency). This premature translational stop signal has been observed in individual(s) with Emery-Dreifuss muscular dystrophy (PMID: 8595433). ClinVar contains an entry for this variant (Variation ID: 2684188). This variant disrupts a region of the EMD protein in which other variant(s) (p.Phe240Hisfs*8) have been determined to be pathogenic (PMID: 11369194). This suggests that this is a clinically significant region of the protein, and that variants that disrupt it are likely to be disease-causing. For these reasons, this variant has been classified as Pathogenic.

Athena Diagnostics
Classification: Likely pathogenic. Last evaluated: 2023-05-26. Review status: criteria provided, single submitter. Criteria: Athena Diagnostics Criteria. Collection method: clinical testing. Allele origin: unknown.
Comment: This variant is predicted to cause a truncation in the last exon of EMD. This is not expected to cause loss of protein expression through nonsense-mediated decay, however, it may still disrupt protein function. This variant has been identified in at least one individual with clinical features associated with this gene. This variant has not been reported in large, multi-ethnic general populations.

Literature cited by the submitters: PubMed 8595433 (cited by Labcorp Genetics (formerly Invitae), Labcorp and Athena Diagnostics); PubMed 11369194 (cited by Labcorp Genetics (formerly Invitae), Labcorp).